The following is an entry in ClinVar:

NM_000760.4(CSF3R):c.274C>G (p.Leu92Val)

Gene: CSF3R (colony stimulating factor 3 receptor; minus strand). Cytogenetic location: 1p34.3.
Variant type: single nucleotide variant.
Coding change: c.274C>G on transcript NM_000760.4 (MANE Select); coding-DNA position 274, C replaced by G.
Protein change: p.Leu92Val; replaces leucine 92 with valine.
Molecular consequence: missense variant.
Genome position (GRCh38, 1-based): chr1:36,475,464, G>C on the plus strand (C>G on the coding strand, the complement: CSF3R is on the minus strand). VCF-style: chr1-36475464-G-C. GRCh37 (hg19) VCF-style: chr1-36941065-G-C.
Other names: c.274C>G (NM_000760.3); c.274C>G, p.Leu92Val (NM_156039.3, NM_172313.3); short protein forms L92V.
Identifiers: ClinVar variation 1450110 (VCV001450110.8), dbSNP rs1434762753, ClinGen allele CA339424826.
Genomic context (GRCh38, chr1:36,475,464, plus strand): 5'-GGATCTGCAGGCTGTTGCCCCAGTTCAGGCAGCAGGAGAGAAAGGCCTGAGTGTGGTTGA[G>C]GTGGGGCAGGGTGATGATAGATTCCTGGGTCCCATCAGACAGACGCTGCTGCCTGCCCCC-3'
Protein context (NP_000751.1, residues 82-102): TQESIITLPH[Leu92Val]NHTQAFLSCC

ClinVar aggregate classification (germline): Uncertain significance. Review status: criteria provided, multiple submitters, no conflicts (2 of 4 stars). 3 submissions from 3 submitters: Uncertain significance (3). Last evaluated 2025-07-28.

Conditions:
CSF3R-related disorder. Also called: CSF3R-related condition.
Inborn genetic diseases. Identifiers: MedGen C0950123, MeSH D030342.
Autosomal recessive severe congenital neutropenia due to CSF3R deficiency. Also called: Neutropenia, severe congenital, 7, autosomal recessive. Identifiers: Orphanet 420702, MedGen C4310764, MONDO:0014865, OMIM 617014.

gnomAD v4.1: 1 of 1,614,164 alleles (0.000062%); highest among the groups gnomAD compares: Admixed American, 0.0017%; no homozygotes.

Submissions (3):

Labcorp Genetics (formerly Invitae), Labcorp
Classification: Uncertain significance for Autosomal recessive severe congenital neutropenia due to CSF3R deficiency. Last evaluated: 2025-07-28. Review status: criteria provided, single submitter. Criteria: Invitae Variant Classification Sherloc (09022015). Collection method: clinical testing. Allele origin: germline.
Comment: This sequence change replaces leucine, which is neutral and non-polar, with valine, which is neutral and non-polar, at codon 92 of the CSF3R protein (p.Leu92Val). This variant is present in population databases (no rsID available, gnomAD 0.003%). This variant has not been reported in the literature in individuals affected with CSF3R-related conditions. ClinVar contains an entry for this variant (Variation ID: 1450110). Invitae Evidence Modeling of protein sequence and biophysical properties (such as structural, functional, and spatial information, amino acid conservation, physicochemical variation, residue mobility, and thermodynamic stability) indicates that this missense variant is not expected to disrupt CSF3R protein function with a negative predictive value of 80%. In summary, the available evidence is currently insufficient to determine the role of this variant in disease. Therefore, it has been classified as a Variant of Uncertain Significance.

PreventionGenetics, part of Exact Sciences
Classification: Uncertain significance for CSF3R-related condition. Last evaluated: 2025-02-25. Review status: criteria provided, single submitter. Criteria: ACMG Guidelines, 2015. Collection method: clinical testing. Allele origin: germline.
Comment: The CSF3R c.274C>G variant is predicted to result in the amino acid substitution p.Leu92Val. To our knowledge, this variant has not been reported in the literature. This variant is reported in 0.0029% of alleles in individuals of Latino descent in gnomAD. This variant is interpreted as variant of uncertain significance in ClinVar. At this time, the clinical significance of this variant is uncertain due to the absence of conclusive functional and genetic evidence.

Ambry Genetics
Classification: Uncertain significance for Inborn genetic diseases. Last evaluated: 2022-08-30. Review status: criteria provided, single submitter. Criteria: Ambry Variant Classification Scheme 2023. Collection method: clinical testing. Allele origin: germline.